The following is an entry in ClinVar:

NM_032119.4(ADGRV1):c.16549A>G (p.Ser5517Gly)

Gene: ADGRV1 (adhesion G protein-coupled receptor V1; plus strand). Cytogenetic location: 5q14.3.
Variant type: single nucleotide variant.
Coding change: c.16549A>G on transcript NM_032119.4 (MANE Select); coding-DNA position 16549, A replaced by G.
Protein change: p.Ser5517Gly; replaces serine 5517 with glycine.
Molecular consequence: missense variant. On other transcripts: non-coding transcript variant (1).
Genome position (GRCh38, 1-based): chr5:90,829,124, A>G. VCF-style: chr5-90829124-A-G. GRCh37 (hg19) VCF-style: chr5-90124941-A-G.
Other names: short protein forms S5517G.
Identifiers: ClinVar variation 2559388 (VCV002559388.5), dbSNP rs1159903105, ClinGen allele CA360427205.

ClinVar aggregate classification (germline): Uncertain significance. Review status: criteria provided, multiple submitters, no conflicts (2 of 4 stars). 3 submissions from 3 submitters: Uncertain significance (3). Last evaluated 2024-03-05.

Conditions:
Inborn genetic diseases. Identifiers: MedGen C0950123, MeSH D030342.

Allele frequency attached by ClinVar (database versions not stated): gnomAD exomes below 0.00001.
gnomAD v4.1: 2 of 1,607,034 alleles (0.00012%); highest among the groups gnomAD compares: East Asian, 0.0022%; no homozygotes.

Submissions (3):

Women's Health and Genetics/Laboratory Corporation of America, LabCorp
Classification: Uncertain significance. Last evaluated: 2024-03-05. Review status: criteria provided, single submitter. Criteria: LabCorp Variant Classification Summary - May 2015. Collection method: clinical testing. Allele origin: germline.
Comment: Variant summary: ADGRV1 c.16549A>G (p.Ser5517Gly) results in a non-conservative amino acid change in the encoded protein sequence. Three of five in-silico tools predict a damaging effect of the variant on protein function. The variant allele was found at a frequency of 4e-06 in 248538 control chromosomes. The available data on variant occurrences in the general population are insufficient to allow any conclusion about variant significance. To our knowledge, no occurrence of c.16549A>G in individuals affected with ADGRV1-Related Disorders and no experimental evidence demonstrating its impact on protein function have been reported. ClinVar contains an entry for this variant (Variation ID: 2559388). Based on the evidence outlined above, the variant was classified as uncertain significance.

Ambry Genetics
Classification: Uncertain significance for Inborn genetic diseases. Last evaluated: 2023-06-12. Review status: criteria provided, single submitter. Criteria: Ambry Variant Classification Scheme 2023. Collection method: clinical testing. Allele origin: germline.

Blueprint Genetics
Classification: Uncertain significance. Last evaluated: 2018-11-23. Review status: criteria provided, single submitter. Criteria: ACMG Guidelines, 2015. Collection method: clinical testing. Allele origin: germline.